The following is an entry in ClinVar:

NM_001004334.4(GPR179):c.473G>A (p.Ser158Asn)

Gene: GPR179 (G protein-coupled receptor 179; minus strand). Cytogenetic location: 17q12.
Variant type: single nucleotide variant.
Coding change: c.473G>A on transcript NM_001004334.4 (MANE Select); coding-DNA position 473, G replaced by A.
Protein change: p.Ser158Asn; replaces serine 158 with asparagine.
Molecular consequence: missense variant.
Genome position (GRCh38, 1-based): chr17:38,343,317, C>T on the plus strand (G>A on the coding strand, the complement: GPR179 is on the minus strand). VCF-style: chr17-38343317-C-T. GRCh37 (hg19) VCF-style: chr17-36499200-C-T.
Other names: short protein forms S158N.
Identifiers: ClinVar variation 1492405 (VCV001492405.6), dbSNP rs774450118, ClinGen allele CA290111604.

ClinVar aggregate classification (germline): Uncertain significance (1 of 4 stars; one submission).

Allele frequency attached by ClinVar (database versions not stated): ExAC 0.00002; gnomAD exomes 0.00002 and 0.00001; TOPMed 0.00001.
gnomAD v4.1: 5 of 1,614,148 alleles (0.00031%); highest among the groups gnomAD compares: Admixed American, 0.0067%; no homozygotes.

Submission:

Labcorp Genetics (formerly Invitae), Labcorp
Classification: Uncertain significance. Last evaluated: 2025-04-21. Review status: criteria provided, single submitter. Criteria: Invitae Variant Classification Sherloc (09022015). Collection method: clinical testing. Allele origin: germline.
Comment: This sequence change replaces serine, which is neutral and polar, with asparagine, which is neutral and polar, at codon 158 of the GPR179 protein (p.Ser158Asn). This variant is present in population databases (rs774450118, gnomAD 0.01%). This variant has not been reported in the literature in individuals affected with GPR179-related conditions. ClinVar contains an entry for this variant (Variation ID: 1492405). An algorithm developed to predict the effect of missense changes on protein structure and function (PolyPhen-2) suggests that this variant is likely to be disruptive. In summary, the available evidence is currently insufficient to determine the role of this variant in disease. Therefore, it has been classified as a Variant of Uncertain Significance.